The following is an entry in ClinVar:

ClinVar aggregate classification (germline): Likely pathogenic. Review status: criteria provided, multiple submitters, no conflicts (2 of 4 stars). 2 submissions from 2 submitters: Likely pathogenic (2). Last evaluated 2025-06-18.

Conditions:
Osteogenesis imperfecta type I (OI1). Also called: Lobstein's Disease; Lobstein disease; Classic Non-deforming Osteogenesis Imperfecta with Blue Sclerae; OI, TYPE I; OSTEOGENESIS IMPERFECTA TARDA; OSTEOGENESIS IMPERFECTA WITH BLUE SCLERAE. Identifiers: Orphanet 216796, Orphanet 666, MedGen C0023931, MONDO:0008146, OMIM 166200. Disease mechanism: loss of function.

Submissions (2):

Clinical Biomedical Laboratory, Shriners Hospital For Children - Canada
Classification: Likely pathogenic for Osteogenesis imperfecta type I. Last evaluated: 2025-06-18. Review status: criteria provided, single submitter. Criteria: ACMG Guidelines, 2015. Collection method: clinical testing. Allele origin: germline. Affected: yes.
Comment: This variant is predicted to substitute a glycine residue by a serine residue in the triple helical domain of collagen type I alpha1 chain. In the Genome Aggregation Database (gnomAD v2.1.1) this variant is not present. Computational tools (Revel 0.99) suggest that the change is damaging to protein function. A different glycine substitution at the same position (p.Gly188Asp) has been reported as causing osteogenesis imperfecta / Ehlers-Danlos syndrome overlap syndrome (PMID 25944380). Glycine substitutions in the triple helical domain of collagen type I cause disruption in the formation of the triple helix in the collagen molecule and are a typical cause of osteogenesis imperfecta. Glycine substitutions close to the N-propeptide cleavage site (corresponding approximately to positions 179 to 268 in the alpha 1 chain of collagen type I) are known to in addition cause features of Ehlers-Danlos syndrome (PMID 15728585).

Labcorp Genetics (formerly Invitae), Labcorp
Classification: Likely pathogenic for Osteogenesis imperfecta type I. Last evaluated: 2024-05-06. Review status: criteria provided, single submitter. Criteria: Invitae Variant Classification Sherloc (09022015). Collection method: clinical testing. Allele origin: germline.
Comment: This sequence change replaces glycine, which is neutral and non-polar, with serine, which is neutral and polar, at codon 188 of the COL1A1 protein (p.Gly188Ser). This variant is not present in population databases (gnomAD no frequency). This variant has not been reported in the literature in individuals affected with COL1A1-related conditions. Advanced modeling of protein sequence and biophysical properties (such as structural, functional, and spatial information, amino acid conservation, physicochemical variation, residue mobility, and thermodynamic stability) performed at Invitae indicates that this missense variant is expected to disrupt COL1A1 protein function with a positive predictive value of 95%. This variant disrupts the triple helix domain of COL1A1. Glycine residues within the Gly-Xaa-Yaa repeats of the triple helix domain are required for the structure and stability of fibrillar collagens (PMID: 7695699, 8218237, 19344236). In COL1A1, variants affecting these glycine residues are significantly enriched in individuals with disease (PMID: 9016532, 17078022) compared to the general population (ExAC). In summary, the currently available evidence indicates that the variant is pathogenic, but additional data are needed to prove that conclusively. Therefore, this variant has been classified as Likely Pathogenic.

Literature cited by the submitters: PubMed 25944380 (cited by Clinical Biomedical Laboratory, Shriners Hospital For Children - Canada); PubMed 7695699 (cited by Labcorp Genetics (formerly Invitae), Labcorp); PubMed 8218237 (cited by Labcorp Genetics (formerly Invitae), Labcorp); PubMed 19344236 (cited by Labcorp Genetics (formerly Invitae), Labcorp); PubMed 9016532 (cited by Labcorp Genetics (formerly Invitae), Labcorp); PubMed 17078022 (cited by Labcorp Genetics (formerly Invitae), Labcorp).

NM_000088.4(COL1A1):c.562G>A (p.Gly188Ser)

Gene: COL1A1 (collagen type I alpha 1 chain; minus strand). Cytogenetic location: 17q21.33.
Variant type: single nucleotide variant.
Coding change: c.562G>A on transcript NM_000088.4 (MANE Select); coding-DNA position 562, G replaced by A.
Protein change: p.Gly188Ser; replaces glycine 188 with serine.
Molecular consequence: missense variant.
Genome position (GRCh38, 1-based): chr17:50,198,187, C>T on the plus strand (G>A on the coding strand, the complement: COL1A1 is on the minus strand). VCF-style: chr17-50198187-C-T. GRCh37 (hg19) VCF-style: chr17-48275548-C-T.
Other names: short protein forms G188S.
Identifiers: ClinVar variation 3634735 (VCV003634735.3).